The following is an entry in ClinVar:

ClinVar aggregate classification (germline): Likely benign. Review status: criteria provided, single submitter (1 of 4 stars). 2 submissions from 2 submitters: Likely benign (1). 1 of the submissions does not count toward it. Last evaluated 2025-12-08.

Conditions:
Hyperprolinemia type 2 (HYRPRO2). Also called: 1-PYRROLINE-5-CARBOXYLATE DEHYDROGENASE DEFICIENCY; Delta-1-pyrroline-5-carboxylate dehydrogenase deficiency; Deficiency of pyrroline-5-carboxylate reductase. Identifiers: Orphanet 79101, MedGen C2931835, MONDO:0009401, OMIM 239510.
ALDH4A1-related disorder. Also called: ALDH4A1-related condition.

Allele frequency attached by ClinVar (database versions not stated): gnomAD exomes 0.00052; ExAC 0.00055; 1000 Genomes Project 0.00120; ESP Exome Variant Server 0.00161; 1000 Genomes Project 30x 0.00187; gnomAD 0.00202 and 0.00217; TOPMed 0.00238.
gnomAD v4.1: 593 of 1,614,118 alleles (0.037%); highest among the groups gnomAD compares: African/African-American, 0.72%; 3 homozygotes.

Submissions (2):

Labcorp Genetics (formerly Invitae), Labcorp
Classification: Likely benign for Hyperprolinemia type 2. Last evaluated: 2025-12-08. Review status: criteria provided, single submitter. Criteria: Invitae Variant Classification Sherloc (09022015). Collection method: clinical testing. Allele origin: germline.

PreventionGenetics, part of Exact Sciences
Classification: Benign for ALDH4A1-related condition. Last evaluated: 2021-12-28. Review status: no assertion criteria provided. Collection method: clinical testing. Allele origin: germline. Not counted in ClinVar's aggregate classification.
Comment: This variant is classified as benign based on ACMG/AMP sequence variant interpretation guidelines (Richards et al. 2015 PMID: 25741868, with internal and published modifications).

NM_003748.4(ALDH4A1):c.1385A>C (p.Lys462Thr)

Genes: ALDH4A1 (aldehyde dehydrogenase 4 family member A1; minus strand), LOC120893116 (Sharpr-MPRA regulatory region 7483; plus strand). Cytogenetic location: 1p36.13.
Variant type: single nucleotide variant.
Coding change: c.1385A>C on transcript NM_003748.4 (MANE Select); coding-DNA position 1385, A replaced by C.
Protein change: p.Lys462Thr; replaces lysine 462 with threonine.
Molecular consequence: missense variant.
Genome position (GRCh38, 1-based): chr1:18,875,457, T>G on the plus strand (A>C on the coding strand, the complement: ALDH4A1 is on the minus strand). VCF-style: chr1-18875457-T-G. GRCh37 (hg19) VCF-style: chr1-19201951-T-G.
Other names: c.1385A>C (NM_170726.2); c.1205A>C, p.Lys402Thr (NM_001161504.2); c.1232A>C, p.Lys411Thr (NM_001319218.2); c.1385A>C, p.Lys462Thr (NM_170726.3); short protein forms K411T, K462T, K402T.
Identifiers: ClinVar variation 703507 (VCV000703507.14), dbSNP rs150762865, ClinGen allele CA646921.
Genomic context (GRCh38, chr1:18,875,457, plus strand): 5'-ACTGCCCCCGTGAGGCCATAGCTGGTGGTGCTGTCAACCAGCTGCAGCGTCTCCTTGTAC[T>G]TGTCATCCGGGTAGACGTACACAGACAGTACAGGCCCGAAGATCTCCTAGGAGAGAGGCC-3'
Protein context (NP_003739.2, residues 452-472): VLSVYVYPDD[Lys462Thr]YKETLQLVDS